The following is an entry in ClinVar:

ClinVar aggregate classification (germline): Pathogenic. Review status: criteria provided, multiple submitters, no conflicts (2 of 4 stars). 3 submissions from 3 submitters: Pathogenic (3). Last evaluated 2025-07-14.

Conditions:
SGCB-related disorder. Also called: SGCB-related condition.
Autosomal recessive limb-girdle muscular dystrophy type 2E (LGMDR4). Also called: MUSCULAR DYSTROPHY, LIMB-GIRDLE, AUTOSOMAL RECESSIVE 4. Identifiers: Orphanet 119, MedGen C1858593, MONDO:0011423, OMIM 604286. Disease mechanism: Affects gamma-sarcoglycan and also disrupts the integrity of the entire sarcoglycan complex..

Submissions (3):

Labcorp Genetics (formerly Invitae), Labcorp
Classification: Pathogenic for Autosomal recessive limb-girdle muscular dystrophy type 2E. Last evaluated: 2025-07-14. Review status: criteria provided, single submitter. Criteria: Invitae Variant Classification Sherloc (09022015). Collection method: clinical testing. Allele origin: germline.
Comment: This sequence change affects the initiator codon of the SGCB mRNA. This change may impact translation initiation or efficiency. The next in-frame methionine is located at codon 22. This variant is not present in population databases (gnomAD no frequency). Disruption of the initiator codon has been observed in individuals with autosomal recessive limb-girdle muscular dystrophy (PMID: 12566530, 15938573, 25135358, 25862795). It has also been observed to segregate with disease in related individuals. ClinVar contains an entry for this variant (Variation ID: 862654). For these reasons, this variant has been classified as Pathogenic.

Neuberg Centre For Genomic Medicine, NCGM
Classification: Pathogenic for Autosomal recessive limb-girdle muscular dystrophy type 2E. Last evaluated: 2023-07-22. Review status: criteria provided, single submitter. Criteria: ACMG Guidelines, 2015. Collection method: clinical testing. Allele origin: germline. Inheritance: Autosomal recessive inheritance. Affected: yes.
Comment: The observed start lost c.2T>C p.Met1? variant in SGCB gene has been previously reported in homozygous state in individuals affected with Muscular dystrophy, limb-girdle Moreira ES et al. 2003. It has also been observed to segregate with disease in related individuals. The p.Met1? variant is absent in gnomAD Exomes. This variant has been reported to the ClinVar database as Pathogenic. Multiple lines of computational evidence Polyphen - Benign, SIFT - Tolerated and MutationTaster - Disease causing predicts conflicting evidence on protein structure and function for this variant. The p.Met1? variant is predicted to disrupt the initiation codon, and thus potentially may interfere with protein expression. The reference amino acid change p.Met1? in SGCB gene is predicted as conserved by GERP++ and PhyloP across 100 vertebrates. This variant is predicted to cause loss of normal protein function through protein truncation. Loss of function variants have been previously reported to be disease causing. For these reasons, this variant has been classified as Pathogenic.

Blueprint Genetics
Classification: Pathogenic for SGCB-related disorders. Last evaluated: 2023-01-25. Review status: criteria provided, single submitter. Criteria: ACMG Guidelines, 2015. Collection method: clinical testing. Allele origin: germline. Affected: yes. Observed: 3 variant alleles.

Literature cited by the submitters: PubMed 12566530 (cited by Labcorp Genetics (formerly Invitae), Labcorp); PubMed 15938573 (cited by Labcorp Genetics (formerly Invitae), Labcorp); PubMed 25135358 (cited by Labcorp Genetics (formerly Invitae), Labcorp); PubMed 25862795 (cited by Labcorp Genetics (formerly Invitae), Labcorp).

NM_000232.5(SGCB):c.2T>C (p.Met1Thr)

Genes: SGCB (sarcoglycan beta; minus strand), LOC129992585 (ATAC-STARR-seq lymphoblastoid silent region 15421; plus strand). Cytogenetic location: 4q12.
Variant type: single nucleotide variant.
Coding change: c.2T>C on transcript NM_000232.5 (MANE Select); coding-DNA position 2, T replaced by C.
Protein change: p.Met1Thr; changes the start codon (methionine 1).
Molecular consequence: missense variant, initiator codon variant.
Genome position (GRCh38, 1-based): chr4:52,038,258, A>G on the plus strand (T>C on the coding strand, the complement: SGCB is on the minus strand). VCF-style: chr4-52038258-A-G. GRCh37 (hg19) VCF-style: chr4-52904424-A-G.
Other names: short protein forms M1T.
Identifiers: ClinVar variation 862654 (VCV000862654.12), dbSNP rs1737457235, ClinGen allele CA356878730.